The following is an entry in ClinVar:

ClinVar aggregate classification (germline): Uncertain significance. Review status: criteria provided, multiple submitters, no conflicts (2 of 4 stars). 4 submissions from 4 submitters: Uncertain significance (3). 1 of the submissions does not count toward it. Last evaluated 2023-04-05.

Conditions:
Retinal dystrophy. Also called: Inherited retinal dystrophy. Identifiers: Orphanet 71862, MedGen C0854723, MeSH D058499, MONDO:0019118, HP:0000556.
Progressive retinal dystrophy due to retinol transport defect. Also called: Retinal dystrophy, iris coloboma, and comedogenic acne syndrome. Identifiers: Orphanet 352718, MedGen C3554593, MONDO:0014060, OMIM 615147.

Allele frequency attached by ClinVar (database versions not stated): gnomAD 0.00004; TOPMed 0.00004; gnomAD exomes 0.00013; ExAC 0.00025.
gnomAD v4.1: 81 of 1,612,306 alleles (0.005%); highest among the groups gnomAD compares: Non-Finnish European, 0.0065%; no homozygotes.

Submissions (4):

Blueprint Genetics
Classification: Uncertain significance. Last evaluated: 2023-04-05. Review status: criteria provided, single submitter. Criteria: ACMG Guidelines, 2015. Collection method: clinical testing. Allele origin: germline.

Labcorp Genetics (formerly Invitae), Labcorp
Classification: Uncertain significance. Last evaluated: 2022-11-22. Review status: criteria provided, single submitter. Criteria: Invitae Variant Classification Sherloc (09022015). Collection method: clinical testing. Allele origin: germline.
Comment: This sequence change replaces arginine, which is basic and polar, with glycine, which is neutral and non-polar, at codon 37 of the RBP4 protein (p.Arg37Gly). In summary, the available evidence is currently insufficient to determine the role of this variant in disease. Therefore, it has been classified as a Variant of Uncertain Significance. Algorithms developed to predict the effect of missense changes on protein structure and function are either unavailable or do not agree on the potential impact of this missense change (SIFT: "Deleterious"; PolyPhen-2: "Probably Damaging"; Align-GVGD: "Class C0"). ClinVar contains an entry for this variant (Variation ID: 931421). This variant has not been reported in the literature in individuals affected with RBP4-related conditions. This variant is present in population databases (rs759820276, gnomAD 0.03%).

Centre for Mendelian Genomics, University Medical Centre Ljubljana
Classification: Uncertain significance for Progressive retinal dystrophy due to retinol transport defect. Last evaluated: 2018-12-20. Review status: criteria provided, single submitter. Criteria: ACMG Guidelines, 2015. Collection method: clinical testing. Allele origin: unknown. Affected: yes.
Comment: This variant was classified as: Uncertain significance. The following ACMG criteria were applied in classifying this variant: PP3.

Institute of Human Genetics, Univ. Regensburg, Univ. Regensburg
Classification: Uncertain significance for Retinal dystrophy. Last evaluated: 2022-01-01. Review status: no assertion criteria provided. Criteria: ACMG Guidelines, 2015. Collection method: clinical testing. Allele origin: germline. Affected: yes. Not counted in ClinVar's aggregate classification.

NM_006744.4(RBP4):c.109C>G (p.Arg37Gly)

Gene: RBP4 (retinol binding protein 4; minus strand). Cytogenetic location: 10q23.33.
Variant type: single nucleotide variant.
Coding change: c.109C>G on transcript NM_006744.4 (MANE Select); coding-DNA position 109, C replaced by G.
Protein change: p.Arg37Gly; replaces arginine 37 with glycine.
Molecular consequence: missense variant.
Genome position (GRCh38, 1-based): chr10:93,600,920, G>C on the plus strand (C>G on the coding strand, the complement: RBP4 is on the minus strand). VCF-style: chr10-93600920-G-C. GRCh37 (hg19) VCF-style: chr10-95360677-G-C.
Other names: c.109C>G, p.Arg37Gly (NM_001323517.1); c.103C>G, p.Arg35Gly (NM_001323518.2); short protein forms R35G, R37G.
Identifiers: ClinVar variation 931421 (VCV000931421.10), dbSNP rs759820276, ClinGen allele CA5609680.